The following is an entry in ClinVar:

ClinVar aggregate classification (germline): Conflicting classifications of pathogenicity. Review status: criteria provided, conflicting classifications (1 of 4 stars). 2 submissions from 2 submitters: Likely pathogenic (1); Uncertain significance (1). Last evaluated 2025-11-24.

Conditions:
Charcot-Marie-Tooth Neuropathy X. Identifiers: MedGen CN118851.

Submissions (2):

Labcorp Genetics (formerly Invitae), Labcorp
Classification: Uncertain significance for Charcot-Marie-Tooth Neuropathy X. Last evaluated: 2025-11-24. Review status: criteria provided, single submitter. Criteria: Invitae Variant Classification Sherloc (09022015). Collection method: clinical testing. Allele origin: germline.
Comment: This variant, c.526_555dup, results in the insertion of 10 amino acid(s) of the GJB1 protein (p.Thr176_Thr185dup), but otherwise preserves the integrity of the reading frame. This variant is not present in population databases (gnomAD no frequency). This variant has not been reported in the literature in individuals affected with GJB1-related conditions. ClinVar contains an entry for this variant (Variation ID: 423372). Experimental studies and prediction algorithms are not available or were not evaluated, and the functional significance of this variant is currently unknown. In summary, the available evidence is currently insufficient to determine the role of this variant in disease. Therefore, it has been classified as a Variant of Uncertain Significance.

GeneDx
Classification: Likely pathogenic. Last evaluated: 2017-02-17. Review status: criteria provided, single submitter. Criteria: GeneDx Variant Classification (06012015). Collection method: clinical testing. Allele origin: germline. Affected: yes.
Comment: A variant that is likely pathogenic has been identified in the GJB1 gene. The c.526_555dup30 variant has not been published as a pathogenic variant, nor has it been reported as a benign variant to our knowledge. The c.526_555dup30 variant is not observed in large population cohorts (Lek et al., 2016; 1000 Genomes Consortium et al., 2015; Exome Variant Server. The c.526_555dup30 variant results in an in-frame duplication of 10 amino acids denoted, p.Thr176_Thr185dup. Multiple missense variants in the duplicated region have been reported in the Human Gene Mutation Database in association with CMT1X (Stenson et al., 2014), supporting the functional importance of this region of the protein. Therefore, this variant is likely pathogenic; however, the possibility that it is benign cannot be excluded.

NM_000166.6(GJB1):c.526_555dup (p.Thr176_Thr185dup)

Gene: GJB1 (gap junction protein beta 1; plus strand). Cytogenetic location: Xq13.1.
Variant type: Duplication.
Coding change: c.526_555dup on transcript NM_000166.6 (MANE Select); coding-DNA positions 526 to 555, 30 bases duplicated (ACAGTGGACTGCTTCGTGTCCCGCCCCACC).
Protein change: p.Thr176_Thr185dup.
Molecular consequence: inframe insertion.
Genome position (GRCh38, 1-based): chrX:71,224,233-71,224,262, ACAGTGGACTGCTTCGTGTCCCGCCCCACC duplicated; duplicating any 30 consecutive bases within chrX:71,224,232-71,224,262 gives the same sequence; the c. name uses the placement nearest the transcript's 3' end. VCF-style (leftmost placement, unchanged base first): chrX-71224231-A-ACACAGTGGACTGCTTCGTGTCCCGCCCCAC. GRCh37 (hg19) VCF-style: chrX-70444081-A-ACACAGTGGACTGCTTCGTGTCCCGCCCCAC.
Other names: c.526_555dupACAGTGGACTGCTTCGTGTCCCGCCCCACC (NM_000166.5); c.526_555dup, p.Thr176_Thr185dup (NM_001097642.3).
Identifiers: ClinVar variation 423372 (VCV000423372.10), dbSNP rs1555937221, ClinGen allele CA16621492.